The following is an entry in ClinVar:

NM_024675.4(PALB2):c.3252G>T (p.Ser1084=)

Gene: PALB2 (partner and localizer of BRCA2; minus strand). Cytogenetic location: 16p12.2.
Variant type: single nucleotide variant.
Coding change: c.3252G>T on transcript NM_024675.4 (MANE Select); coding-DNA position 3252, G replaced by T.
Protein change: p.Ser1084=; no amino-acid change (serine 1084 retained).
Molecular consequence: synonymous variant. On other transcripts: intron variant (8).
Genome position (GRCh38, 1-based): chr16:23,607,962, C>A on the plus strand (G>T on the coding strand, the complement: PALB2 is on the minus strand). VCF-style: chr16-23607962-C-A. GRCh37 (hg19) VCF-style: chr16-23619283-C-A.
Other names: c.3192G>T, p.Ser1064= (NM_001407296.1); c.3180G>T, p.Ser1060= (NM_001407297.1); c.3090G>T, p.Ser1030= (NM_001407298.1); c.2973G>T, p.Ser991= (NM_001407300.1); c.2367G>T, p.Ser789= (NM_001407304.1, NM_001407305.1, NM_001407306.1); c.2205G>T, p.Ser735= (NM_001407307.1); c.1464G>T, p.Ser488= (NM_001407312.1); c.786G>T, p.Ser262= (NM_001407314.1); and 6 more.
Identifiers: ClinVar variation 2850033 (VCV002850033.4), dbSNP rs141570833, ClinGen allele CA494175748.

ClinVar aggregate classification (germline): Conflicting classifications of pathogenicity. Review status: criteria provided, conflicting classifications (1 of 4 stars). 2 submissions from 2 submitters: Uncertain significance (1); Likely benign (1). Last evaluated 2024-05-04.

Conditions:
Hereditary cancer-predisposing syndrome. Also called: Neoplastic Syndromes, Hereditary; Hereditary Cancer Syndrome; Tumor predisposition; Hereditary neoplastic syndrome. Identifiers: Orphanet 140162, MedGen C0027672, MeSH D009386, MONDO:0015356.
Familial cancer of breast. Also called: BREAST CANCER, FAMILIAL; hereditary breast carcinoma; Hereditary breast cancer. Identifiers: Orphanet 227535, MedGen C0346153, MONDO:0016419, OMIM 114480. Disease mechanism: loss of function.

Submissions (2):

Color Diagnostics, LLC DBA Color Health
Classification: Uncertain significance for Hereditary cancer-predisposing syndrome. Last evaluated: 2024-05-04. Review status: criteria provided, single submitter. Criteria: ACMG Guidelines, 2015. Collection method: clinical testing. Allele origin: germline.
Comment: This variant is located in the PALB2 protein. To our knowledge, functional studies have not been reported for this variant. This variant has not been reported in individuals affected with PALB2-related disorders in the literature. This variant has not been identified in the general population by the Genome Aggregation Database (gnomAD). The available evidence is insufficient to determine the role of this variant in disease conclusively. Therefore, this variant is classified as a Variant of Uncertain Significance.

Labcorp Genetics (formerly Invitae), Labcorp
Classification: Likely benign for Familial cancer of breast. Last evaluated: 2023-03-28. Review status: criteria provided, single submitter. Criteria: Invitae Variant Classification Sherloc (09022015). Collection method: clinical testing. Allele origin: germline.